The following is an entry in ClinVar:

ClinVar aggregate classification (germline): Uncertain significance (1 of 4 stars; one submission).

Conditions:
Malignant hyperthermia, susceptibility to, 1 (MHS1). Also called: RYR1-Related Malignant Hyperthermia Susceptibility; Malignant hyperthermia suceptibility 1; Anesthesia related hyperthermia; Malignant hyperpyrexia; Fulminating hyperpyrexia; Pharmacogenic myopathy. Identifiers: Orphanet 423, MedGen C2930980, MONDO:0007783, OMIM 145600.

Submission:

Color Diagnostics, LLC DBA Color Health
Classification: Uncertain significance for Malignant hyperthermia, susceptibility to, 1. Last evaluated: 2025-09-18. Review status: criteria provided, single submitter. Criteria: ACMG Guidelines, 2015. Collection method: clinical testing. Allele origin: germline.
Comment: This missense variant replaces histidine with leucine at codon 1253 of the RYR1 protein. Computational prediction suggests that this variant may have deleterious impact on protein structure and function. To our knowledge, functional studies have not been reported for this variant. This variant has not been reported in individuals affected with RYR1-related disorders in the literature. This variant has not been identified in the general population by the Genome Aggregation Database (gnomAD). The available evidence is insufficient to determine the role of this variant in disease conclusively. Therefore, this variant is classified as a Variant of Uncertain Significance.

NM_000540.3(RYR1):c.3758A>T (p.His1253Leu)

Gene: RYR1 (ryanodine receptor 1; plus strand). Cytogenetic location: 19q13.2.
Variant type: single nucleotide variant.
Coding change: c.3758A>T on transcript NM_000540.3 (MANE Select); coding-DNA position 3758, A replaced by T.
Protein change: p.His1253Leu; replaces histidine 1253 with leucine.
Molecular consequence: missense variant.
Genome position (GRCh38, 1-based): chr19:38,469,506, A>T. VCF-style: chr19-38469506-A-T. GRCh37 (hg19) VCF-style: chr19-38960146-A-T.
Other names: c.3758A>T, p.His1253Leu (NM_001042723.2); short protein forms H1253L.
Identifiers: ClinVar variation 4756573 (VCV004756573.1).